The following is an entry in ClinVar:

ClinVar aggregate classification (germline): Uncertain significance (1 of 4 stars; one submission).

Conditions:
Cardiomyopathy (CMYO). Also called: Cardiomyopathies. Identifiers: Orphanet 167848, MedGen C0878544, MONDO:0004994, HP:0001638. Inheritance: Various modes of inheritance.

Submission:

Color Diagnostics, LLC DBA Color Health
Classification: Uncertain significance for Cardiomyopathy. Last evaluated: 2023-12-05. Review status: criteria provided, single submitter. Criteria: ACMG Guidelines, 2015. Collection method: clinical testing. Allele origin: germline.
Comment: Variant of Uncertain Significance due to insufficient evidence: This missense variant is located in the cytoplasmic domain of the DSG2 protein. Computational prediction tools and conservation analyses suggest that this variant may not impact the protein function. Computational splicing tools suggest that this variant may not impact RNA splicing. To our knowledge, functional assays have not been performed for this variant nor has this variant been reported in individuals affected with cardiovascular disorders in the literature. This variant is rare in the general population and has been identified in 0/277264 chromosomes by the Genome Aggregation Database (gnomAD). Available evidence is insufficient to determine the pathogenicity of this variant conclusively.

NM_001943.5(DSG2):c.3178A>G (p.Ser1060Gly)

Genes: DSG2 (desmoglein 2; plus strand), DSG2-AS1 (DSG2 antisense RNA 1; minus strand). Cytogenetic location: 18q12.1.
Variant type: single nucleotide variant.
Coding change: c.3178A>G on transcript NM_001943.5 (MANE Select); coding-DNA position 3178, A replaced by G.
Protein change: p.Ser1060Gly; replaces serine 1060 with glycine.
Molecular consequence: missense variant.
Genome position (GRCh38, 1-based): chr18:31,546,564, A>G. VCF-style: chr18-31546564-A-G. GRCh37 (hg19) VCF-style: chr18-29126527-A-G.
Other names: short protein forms S1060G.
Identifiers: ClinVar variation 927433 (VCV000927433.5), dbSNP rs2073312698, ClinGen allele CA402148806.
Genomic context (GRCh38, chr18:31,546,564, plus strand): 5'-GTAGGACAGAATGTGACAGTGACAGAAAGAGTTCTAGCACCTGCTTCCACTCTGCAATCC[A>G]GTTACCAGATTCCCACTGAAAATTCTATGACGGCTAGGAACACCACGGTGTCTGGAGCTG-3'
Protein context (NP_001934.2, residues 1050-1070): VLAPASTLQS[Ser1060Gly]YQIPTENSMT